The following is an entry in ClinVar:

ClinVar aggregate classification (germline): Uncertain significance (1 of 4 stars; one submission).

gnomAD v4.1: 1 of 1,613,310 alleles (0.000062%); highest among the groups gnomAD compares: Admixed American, 0.0017%; no homozygotes.

Submission:

GeneDx
Classification: Uncertain significance. Last evaluated: 2023-09-06. Review status: criteria provided, single submitter. Criteria: GeneDx Variant Classification Process June 2021. Collection method: clinical testing. Allele origin: germline. Affected: yes.
Comment: Not observed at significant frequency in large population cohorts (gnomAD); Missense variant in a gene in which most reported pathogenic variants are truncating/loss of function; Has not been previously published as pathogenic or benign to our knowledge; Located in a region of TTN within the I-band in which the majority of loss of function variants are significantly associated with autosomal dominant titinopathies (Deo et al., 2016; Schafer et al., 2017)

NM_001267550.2(TTN):c.36418C>T (p.Pro12140Ser)

Gene: TTN (titin; minus strand). Cytogenetic location: 2q31.2.
Variant type: single nucleotide variant.
Coding change: c.36418C>T on transcript NM_001267550.2 (MANE Select); coding-DNA position 36418, C replaced by T.
Protein change: p.Pro12140Ser; replaces proline 12140 with serine.
Molecular consequence: missense variant. On other transcripts: intron variant (5).
Genome position (GRCh38, 1-based): chr2:178,663,849, G>A on the plus strand (C>T on the coding strand, the complement: TTN is on the minus strand). VCF-style: chr2-178663849-G-A. GRCh37 (hg19) VCF-style: chr2-179528576-G-A.
Other names: c.13283-21532C>T (NM_003319.4); c.13859-21532C>T (NM_133437.4); c.13658-21532C>T (NM_133432.3); c.31484-794C>T (NM_133378.4); c.34265-794C>T (NM_001256850.1); short protein forms P12140S.
Identifiers: ClinVar variation 3340236 (VCV003340236.1).